The following is an entry in ClinVar:

NM_001388308.1(KIF12):c.1314-4C>G

Gene: KIF12 (kinesin family member 12; minus strand). Cytogenetic location: 9q32.
Variant type: single nucleotide variant.
Coding change: c.1314-4C>G on transcript NM_001388308.1 (MANE Select); 4 bases into the intron before coding-DNA position 1314, C replaced by G.
Molecular consequence: intron variant.
Genome position (GRCh38, 1-based): chr9:114,093,976, G>C on the plus strand (C>G on the coding strand, the complement: KIF12 is on the minus strand). VCF-style: chr9-114093976-G-C. GRCh37 (hg19) VCF-style: chr9-116856256-G-C.
Other names: c.900-4C>G (NM_138424.2).
Identifiers: ClinVar variation 3051208 (VCV003051208.4), dbSNP rs369041116, ClinGen allele CA5200522.

ClinVar aggregate classification (germline): Likely benign. Review status: criteria provided, single submitter (1 of 4 stars). 2 submissions from 2 submitters: Likely benign (1). 1 of the submissions does not count toward it. Last evaluated 2024-06-13.

Conditions:
KIF12-related disorder. Also called: KIF12-related condition.

Allele frequency attached by ClinVar (database versions not stated): TOPMed 0.00008; gnomAD 0.00011; ExAC 0.00020; ESP Exome Variant Server 0.00023.

Submissions (2):

Labcorp Genetics (formerly Invitae), Labcorp
Classification: Likely benign. Last evaluated: 2024-06-13. Review status: criteria provided, single submitter. Criteria: Invitae Variant Classification Sherloc (09022015). Collection method: clinical testing. Allele origin: germline.

PreventionGenetics, part of Exact Sciences
Classification: Likely benign for KIF12-related condition. Last evaluated: 2020-12-14. Review status: no assertion criteria provided. Collection method: clinical testing. Allele origin: germline. Not counted in ClinVar's aggregate classification.
Comment: This variant is classified as likely benign based on ACMG/AMP sequence variant interpretation guidelines (Richards et al. 2015 PMID: 25741868, with internal and published modifications).